The following is an entry in ClinVar:

ClinVar aggregate classification (germline): Uncertain significance (1 of 4 stars; one submission).

gnomAD v4.1: 1 of 1,614,094 alleles (0.000062%); highest among the groups gnomAD compares: South Asian, 0.0011%; no homozygotes.

Submission:

Labcorp Genetics (formerly Invitae), Labcorp
Classification: Uncertain significance. Last evaluated: 2024-12-20. Review status: criteria provided, single submitter. Criteria: Invitae Variant Classification Sherloc (09022015). Collection method: clinical testing. Allele origin: germline.
Comment: This sequence change falls in intron 20 of the MSH3 gene. It does not directly change the encoded amino acid sequence of the MSH3 protein. It affects a nucleotide within the consensus splice site. This variant is not present in population databases (gnomAD no frequency). This variant has not been reported in the literature in individuals affected with MSH3-related conditions. Variants that disrupt the consensus splice site are a relatively common cause of aberrant splicing (PMID: 17576681, 9536098). Algorithms developed to predict the effect of sequence changes on RNA splicing suggest that this variant is not likely to affect RNA splicing. In summary, the available evidence is currently insufficient to determine the role of this variant in disease. Therefore, it has been classified as a Variant of Uncertain Significance.

Literature cited by the submitters: PubMed 17576681; PubMed 9536098.

NM_002439.5(MSH3):c.2813+5G>A

Gene: MSH3 (mutS homolog 3; plus strand). Cytogenetic location: 5q14.1.
Variant type: single nucleotide variant.
Coding change: c.2813+5G>A on transcript NM_002439.5 (MANE Select); 5 bases into the intron after coding-DNA position 2813, G replaced by A.
Molecular consequence: intron variant.
Genome position (GRCh38, 1-based): chr5:80,813,746, G>A. VCF-style: chr5-80813746-G-A. GRCh37 (hg19) VCF-style: chr5-80109565-G-A.
Identifiers: ClinVar variation 3632638 (VCV003632638.2).
Genomic context (GRCh38, chr5:80,813,746, plus strand): 5'-TCCTATGTTCCTGCAGAAGAAGCGACAATTGGGATTGTGGATGGCATTTTCACAAGGTAA[G>A]TACGTTAATTCAGCTTGCATATATTCTTGAAAATAAGTCAAGCCCACATTATCGCATGAA-3'